The following is an entry in ClinVar:

NM_001851.6(COL9A1):c.799G>T (p.Glu267Ter)

Gene: COL9A1 (collagen type IX alpha 1 chain; minus strand). Cytogenetic location: 6q13.
Variant type: single nucleotide variant.
Coding change: c.799G>T on transcript NM_001851.6 (MANE Select); coding-DNA position 799, G replaced by T.
Protein change: p.Glu267Ter; replaces glutamic acid 267 with a stop codon.
Molecular consequence: nonsense. On other transcripts: intron variant (3).
Genome position (GRCh38, 1-based): chr6:70,282,900, C>A on the plus strand (G>T on the coding strand, the complement: COL9A1 is on the minus strand). VCF-style: chr6-70282900-C-A. GRCh37 (hg19) VCF-style: chr6-70992603-C-A.
Other names: c.799G>T, p.Glu267Ter (NM_001377291.1); c.72+81G>T (NM_001377290.1, NM_078485.4, NM_001377289.1); short protein forms E267*.
Identifiers: ClinVar variation 1701507 (VCV001701507.31), dbSNP rs1034243338, ClinGen allele CA140820271.

ClinVar aggregate classification (germline): Pathogenic (1 of 4 stars; one submission).

Allele frequency attached by ClinVar (database versions not stated): TOPMed below 0.00001.

Submission:

CeGaT Center for Human Genetics Tuebingen
Classification: Pathogenic. Last evaluated: 2022-07-01. Review status: criteria provided, single submitter. Criteria: CeGaT Center For Human Genetics Tuebingen Variant Classification Criteria Version 2. Collection method: clinical testing. Allele origin: germline. Affected: yes. Observed: 2 variant alleles.
Comment: COL9A1: PVS1, PM2